The following is an entry in ClinVar:

NM_006206.6(PDGFRA):c.674A>G (p.Tyr225Cys)

Gene: PDGFRA (platelet derived growth factor receptor alpha; plus strand). Cytogenetic location: 4q12.
Variant type: single nucleotide variant.
Coding change: c.674A>G on transcript NM_006206.6 (MANE Select); coding-DNA position 674, A replaced by G.
Protein change: p.Tyr225Cys; replaces tyrosine 225 with cysteine.
Molecular consequence: missense variant.
Genome position (GRCh38, 1-based): chr4:54,264,964, A>G. VCF-style: chr4-54264964-A-G. GRCh37 (hg19) VCF-style: chr4-55131131-A-G.
Other names: c.674A>G, p.Tyr225Cys (NM_001347827.2, NM_001347829.2); c.749A>G, p.Tyr250Cys (NM_001347828.2); c.713A>G, p.Tyr238Cys (NM_001347830.2); short protein forms Y225C, Y238C, Y250C.
Identifiers: ClinVar variation 240357 (VCV000240357.9), dbSNP rs878854831, ClinGen allele CA10582233.
Genomic context (GRCh38, chr4:54,264,964, plus strand): 5'-TGTTCTTTTTTATAGCAACATCAGAGCTGGATCTAGAAATGGAAGCTCTTAAAACCGTGT[A>G]TAAGTCAGGGGAAACGATTGTGGTCACCTGTGCTGTTTTTAACAATGAGGTGGTTGACCT-3'
Protein context (NP_006197.1, residues 215-235): DLEMEALKTV[Tyr225Cys]KSGETIVVTC

ClinVar aggregate classification (germline): Uncertain significance (1 of 4 stars; one submission).

Conditions:
Gastrointestinal stromal tumor. Also called: Gastrointestinal stromal tumor, somatic; Gastrointestinal stroma tumor. Identifiers: Orphanet 44890, MedGen C0238198, MeSH D046152, MONDO:0011719, OMIM 606764, HP:0100723.

Allele frequency attached by ClinVar (database versions not stated): gnomAD exomes below 0.00001.
gnomAD v4.1: 2 of 1,613,348 alleles (0.00012%); highest among the groups gnomAD compares: Non-Finnish European, 0.00017%; no homozygotes.

Submission:

Labcorp Genetics (formerly Invitae), Labcorp
Classification: Uncertain significance for Gastrointestinal stromal tumor. Last evaluated: 2023-09-06. Review status: criteria provided, single submitter. Criteria: Invitae Variant Classification Sherloc (09022015). Collection method: clinical testing. Allele origin: germline.
Comment: This variant has not been reported in the literature in individuals affected with PDGFRA-related conditions. In summary, the available evidence is currently insufficient to determine the role of this variant in disease. Therefore, it has been classified as a Variant of Uncertain Significance. Advanced modeling of protein sequence and biophysical properties (such as structural, functional, and spatial information, amino acid conservation, physicochemical variation, residue mobility, and thermodynamic stability) performed at Invitae indicates that this missense variant is not expected to disrupt PDGFRA protein function. ClinVar contains an entry for this variant (Variation ID: 240357). This variant is not present in population databases (gnomAD no frequency). This sequence change replaces tyrosine, which is neutral and polar, with cysteine, which is neutral and slightly polar, at codon 225 of the PDGFRA protein (p.Tyr225Cys).